The following is an entry in ClinVar:

NM_153006.3(NAGS):c.570G>A (p.Trp190Ter)

Gene: NAGS (N-acetylglutamate synthase; plus strand). Cytogenetic location: 17q21.31.
Variant type: single nucleotide variant.
Coding change: c.570G>A on transcript NM_153006.3 (MANE Select); coding-DNA position 570, G replaced by A.
Protein change: p.Trp190Ter; replaces tryptophan 190 with a stop codon.
Molecular consequence: nonsense.
Genome position (GRCh38, 1-based): chr17:44,005,780, G>A. VCF-style: chr17-44005780-G-A. GRCh37 (hg19) VCF-style: chr17-42083148-G-A.
Other names: short protein forms W190*.
Identifiers: ClinVar variation 529424 (VCV000529424.10), dbSNP rs755257734, ClinGen allele CA399725025.

ClinVar aggregate classification (germline): Pathogenic/Likely pathogenic. Review status: criteria provided, multiple submitters, no conflicts (2 of 4 stars). 3 submissions from 3 submitters: Pathogenic (1); Likely pathogenic (2). Last evaluated 2025-07-10.

Conditions:
Hyperammonemia, type III (NAGSD). Also called: Hyperammonemia due to N-acetylglutamate synthase deficiency. Identifiers: Orphanet 927, MedGen C0268543, MONDO:0009377, OMIM 237310.

gnomAD v4.1: 1 of 1,590,828 alleles (0.000063%); no homozygotes.

Submissions (3):

Natera, Inc.
Classification: Likely pathogenic for Hyperammonemia type III. Last evaluated: 2025-07-10. Review status: criteria provided, single submitter. Criteria: Natera Variant Classification Schema (03/2026). Collection method: clinical testing. Allele origin: germline.
Comment: The c.570G>A variant in NAGS is a nonsense variant predicted to introduce a stop codon at amino acid 190. This variant is expected to result in nonsense mediated decay, truncation, or a dysfunctional protein product. This variant is rare in the general population with a frequency below the threshold expected for the associated phenotype(s). Given the available evidence, this variant is classified as Likely Pathogenic.

Fulgent Genetics
Classification: Likely pathogenic for Hyperammonemia, type III. Last evaluated: 2024-03-26. Review status: criteria provided, single submitter. Criteria: ACMG Guidelines, 2015. Collection method: clinical testing. Allele origin: germline.

Labcorp Genetics (formerly Invitae), Labcorp
Classification: Pathogenic for Hyperammonemia, type III. Last evaluated: 2017-09-17. Review status: criteria provided, single submitter. Criteria: Invitae Variant Classification Sherloc (09022015). Collection method: clinical testing. Allele origin: germline.
Comment: For these reasons, this variant has been classified as Pathogenic. Loss-of-function variants in NAGS are known to be pathogenic (PMID: 12594532). This variant has not been reported in the literature in individuals with NAGS-related disease. This variant is not present in population databases (ExAC no frequency). This sequence change creates a premature translational stop signal (p.Trp190*) in the NAGS gene. It is expected to result in an absent or disrupted protein product.

Literature cited by the submitters: PubMed 12594532 (cited by Labcorp Genetics (formerly Invitae), Labcorp).